The following is an entry in ClinVar:

ClinVar aggregate classification (germline): Uncertain significance. Review status: criteria provided, multiple submitters, no conflicts (2 of 4 stars). 2 submissions from 2 submitters: Uncertain significance (2). Last evaluated 2025-09-04.

Conditions:
Baller-Gerold syndrome (BGS). Also called: CRANIOSYNOSTOSIS WITH RADIAL DEFECTS. Identifiers: Orphanet 1225, MedGen C0265308, MONDO:0009039, OMIM 218600.
Inborn genetic diseases. Identifiers: MedGen C0950123, MeSH D030342.

gnomAD v4.1: 1 of 1,612,846 alleles (0.000062%); no homozygotes.

Submissions (2):

Labcorp Genetics (formerly Invitae), Labcorp
Classification: Uncertain significance for Baller-Gerold syndrome. Last evaluated: 2025-09-04. Review status: criteria provided, single submitter. Criteria: Invitae Variant Classification Sherloc (09022015). Collection method: clinical testing. Allele origin: germline.
Comment: This sequence change replaces glycine, which is neutral and non-polar, with serine, which is neutral and polar, at codon 394 of the RECQL4 protein (p.Gly394Ser). This variant is not present in population databases (gnomAD no frequency). This variant has not been reported in the literature in individuals affected with RECQL4-related conditions. ClinVar contains an entry for this variant (Variation ID: 851797). Invitae Evidence Modeling of protein sequence and biophysical properties (such as structural, functional, and spatial information, amino acid conservation, physicochemical variation, residue mobility, and thermodynamic stability) indicates that this missense variant is not expected to disrupt RECQL4 protein function with a negative predictive value of 80%. In summary, the available evidence is currently insufficient to determine the role of this variant in disease. Therefore, it has been classified as a Variant of Uncertain Significance.

Ambry Genetics
Classification: Uncertain significance for Inborn genetic diseases. Last evaluated: 2024-11-27. Review status: criteria provided, single submitter. Criteria: Ambry Variant Classification Scheme 2023. Collection method: clinical testing. Allele origin: germline.
Comment: The p.G394S variant (also known as c.1180G>A), located in coding exon 6 of the RECQL4 gene, results from a G to A substitution at nucleotide position 1180. The glycine at codon 394 is replaced by serine, an amino acid with similar properties. This amino acid position is conserved. In addition, this alteration is predicted to be tolerated by in silico analysis. Based on the available evidence, the clinical significance of this variant remains unclear.

NM_004260.4(RECQL4):c.1180G>A (p.Gly394Ser)

Gene: RECQL4 (RecQ like helicase 4; minus strand). Cytogenetic location: 8q24.3.
Variant type: single nucleotide variant.
Coding change: c.1180G>A on transcript NM_004260.4 (MANE Select); coding-DNA position 1180, G replaced by A.
Protein change: p.Gly394Ser; replaces glycine 394 with serine.
Molecular consequence: missense variant.
Genome position (GRCh38, 1-based): chr8:144,515,842, C>T on the plus strand (G>A on the coding strand, the complement: RECQL4 is on the minus strand). VCF-style: chr8-144515842-C-T. GRCh37 (hg19) VCF-style: chr8-145741226-C-T.
Other names: short protein forms G394S.
Identifiers: ClinVar variation 851797 (VCV000851797.6), dbSNP rs1828087724, ClinGen allele CA372687659.